The following is an entry in ClinVar:

NM_005356.5(LCK):c.115C>T (p.Arg39Ter)

Gene: LCK (LCK proto-oncogene, Src family tyrosine kinase; plus strand). Cytogenetic location: 1p35.2.
Variant type: single nucleotide variant.
Coding change: c.115C>T on transcript NM_005356.5 (MANE Select); coding-DNA position 115, C replaced by T.
Protein change: p.Arg39Ter; replaces arginine 39 with a stop codon.
Molecular consequence: nonsense.
Genome position (GRCh38, 1-based): chr1:32,274,746, C>T. VCF-style: chr1-32274746-C-T. GRCh37 (hg19) VCF-style: chr1-32740347-C-T.
Other names: c.115C>T, p.Arg39Ter (NM_001042771.3, NM_001330468.2); short protein forms R39*.
Identifiers: ClinVar variation 2041799 (VCV002041799.4), dbSNP rs2521638529, ClinGen allele CA339635994.

ClinVar aggregate classification (germline): Pathogenic (1 of 4 stars; one submission).

Conditions:
Severe combined immunodeficiency due to LCK deficiency. Also called: Immunodeficiency 22. Identifiers: Orphanet 280142, MedGen C4014233, MONDO:0014334, OMIM 615758.

Submission:

Labcorp Genetics (formerly Invitae), Labcorp
Classification: Pathogenic for Severe combined immunodeficiency due to LCK deficiency. Last evaluated: 2024-02-24. Review status: criteria provided, single submitter. Criteria: Invitae Variant Classification Sherloc (09022015). Collection method: clinical testing. Allele origin: germline.
Comment: This sequence change creates a premature translational stop signal (p.Arg39*) in the LCK gene. It is expected to result in an absent or disrupted protein product. Loss-of-function variants in LCK are known to be pathogenic (PMID: 22985903, 27087313). This variant is not present in population databases (gnomAD no frequency). This variant has not been reported in the literature in individuals affected with LCK-related conditions. ClinVar contains an entry for this variant (Variation ID: 2041799). For these reasons, this variant has been classified as Pathogenic.

Literature cited by the submitters: PubMed 22985903; PubMed 27087313.